The following is an entry in ClinVar:

NM_007294.4(BRCA1):c.5145C>G (p.Ser1715Arg)

Gene: BRCA1 (BRCA1 DNA repair associated; minus strand). Cytogenetic location: 17q21.31.
Variant type: single nucleotide variant.
Coding change: c.5145C>G on transcript NM_007294.4 (MANE Select); coding-DNA position 5145, C replaced by G.
Protein change: p.Ser1715Arg; replaces serine 1715 with arginine.
Molecular consequence: missense variant. On other transcripts: non-coding transcript variant (1).
Genome position (GRCh38, 1-based): chr17:43,063,881, G>C on the plus strand (C>G on the coding strand, the complement: BRCA1 is on the minus strand). VCF-style: chr17-43063881-G-C. GRCh37 (hg19) VCF-style: chr17-41215898-G-C.
Other names: c.5142C>G, p.Ser1714Arg (NM_001407860.1, NM_001407621.1, NM_001407622.1 and 17 more transcripts); c.5139C>G, p.Ser1713Arg (NM_001407861.1, NM_001407627.1, NM_001407628.1 and 14 more transcripts); c.4944C>G, p.Ser1648Arg (NM_001407862.1); c.4938C>G, p.Ser1646Arg (NM_001407874.1, NM_001407875.1); c.4932C>G, p.Ser1644Arg (NM_001407894.1, NM_001407895.1, NM_001407896.1 and 12 more transcripts); c.4881C>G, p.Ser1627Arg (NM_001407920.1, NM_001407921.1, NM_001407922.1 and 4 more transcripts); c.4878C>G, p.Ser1626Arg (NM_001407927.1, NM_001407928.1, NM_001407929.1 and 4 more transcripts); c.5019C>G, p.Ser1673Arg (NM_001407939.1, NM_001407940.1, NM_001407670.1 and 10 more transcripts); and 71 more; short protein forms S1715R, S1736R, S611R, S1668R, S1546R, S1602R, S1604R, S1627R.
Identifiers: ClinVar variation 55418 (VCV000055418.13), dbSNP rs80357094, ClinGen allele CA003268.

ClinVar aggregate classification (germline): Pathogenic/Likely pathogenic. Review status: criteria provided, multiple submitters, no conflicts (2 of 4 stars). 6 submissions from 6 submitters: Pathogenic (4); Likely pathogenic (1). 1 of the submissions does not count toward it. Last evaluated 2025-12-12.

Conditions:
Hereditary cancer-predisposing syndrome. Also called: Hereditary Cancer Syndrome; Hereditary neoplastic syndrome; Neoplastic Syndromes, Hereditary; Tumor predisposition. Identifiers: Orphanet 140162, MedGen C0027672, MeSH D009386, MONDO:0015356.
Hereditary breast ovarian cancer syndrome. Also called: BRCA1- and BRCA2-Associated Hereditary Breast and Ovarian Cancer; Hereditary breast and ovarian cancer syndrome; Hereditary breast and ovarian cancer syndrome (HBOC); Breast and ovarian cancer; Hereditary breast and/or ovarian cancer syndrome; Hereditary breast and ovarian cancer. Identifiers: Orphanet 145, MedGen C0677776, MeSH D061325, MONDO:0003582. Disease mechanism: loss of function.
Breast-ovarian cancer, familial, susceptibility to, 1 (BROVCA1). Also called: BRCA1 Hereditary Breast and Ovarian Cancer; OVARIAN CANCER, SUSCEPTIBILITY TO. Identifiers: Orphanet 145, MedGen C2676676, MONDO:0011450, OMIM 604370. Disease mechanism: loss of function.

Submissions (7):

Labcorp Genetics (formerly Invitae), Labcorp
Classification: Pathogenic for Hereditary breast ovarian cancer syndrome. Last evaluated: 2025-12-12. Review status: criteria provided, single submitter. Criteria: Invitae Variant Classification Sherloc (09022015). Collection method: clinical testing. Allele origin: germline.
Comment: This sequence change replaces serine, which is neutral and polar, with arginine, which is basic and polar, at codon 1715 of the BRCA1 protein (p.Ser1715Arg). This variant is not present in population databases (gnomAD no frequency). This missense change has been observed in individual(s) with BRCA1-related cancers (PMID: 11157798, 36367610). It has also been observed to segregate with disease in related individuals. ClinVar contains an entry for this variant (Variation ID: 55418). Invitae Evidence Modeling incorporating data from in vitro experimental studies (PMID: 30209399) indicates that this missense variant is expected to disrupt BRCA1 function with a positive predictive value of 95%. RNA analysis performed to evaluate the impact of this missense change on mRNA splicing indicates it does not significantly alter splicing (internal data). This variant disrupts the p.Ser1715 amino acid residue in BRCA1. Other variant(s) that disrupt this residue have been determined to be pathogenic (PMID: 10508480, 22856468). This suggests that this residue is clinically significant, and that variants that disrupt this residue are likely to be disease-causing. For these reasons, this variant has been classified as Pathogenic.

Mayo Clinic Laboratories, Mayo Clinic
Classification: Pathogenic. Last evaluated: 2025-07-23. Review status: criteria provided, single submitter. Criteria: ACMG Guidelines, 2015. Collection method: clinical testing. Allele origin: germline. Observed: 1 variant allele.
Comment: PP3, PP4_very_strong, PM2_supporting, PS3

Ambry Genetics
Classification: Pathogenic for Hereditary cancer-predisposing syndrome. Last evaluated: 2024-10-16. Review status: criteria provided, single submitter. Criteria: Ambry Variant Classification Scheme 2023. Collection method: clinical testing. Allele origin: germline.
Comment: The p.S1715R pathogenic mutation (also known as c.5145C>G), located in coding exon 16 of the BRCA1 gene, results from a C to G substitution at nucleotide position 5145. The serine at codon 1715 is replaced by arginine, an amino acid with dissimilar properties. This variant segregated with disease in multiple families with features consistent with hereditary breast and ovarian cancer (Vallon-Christersson J et al. Hum. Mol. Genet. 2001 Feb;10(4):353-60; Caputo SM et al. Am J Hum Genet, 2021 Oct;108:1907-1923). Numerous functional studies have shown that this variant is functionally defective including in homology directed repair, yeast growth retardation, transcription assays, binding activity and specificity, protease sensitivity, and overall stability (Vallon-Christersson J et al. Hum. Mol. Genet. 2001 Feb;10:353-60; Anantha RW et al. Elife 2017 04;6; Thouvenot P et al. PLoS Genet. 2016 06;12:e1006096; Lee MS et al. Cancer Res. 2010 Jun;70:4880-90; Rowling PJ et al. J. Biol. Chem. 2010 Jun;285:20080-7). Additionally, one functional study found that this nucleotide substitution is non-functional in a high throughput genome editing haploid cell survival assay (Findlay GM et al. Nature, 2018 Oct;562:217-222). This variant is considered to be rare based on population cohorts in the Genome Aggregation Database (gnomAD). In addition, this alteration is predicted to be deleterious by in silico analysis. Based on the supporting evidence, this variant is interpreted as a disease-causing mutation.

Baylor Genetics
Classification: Likely pathogenic for Breast-ovarian cancer, familial, susceptibility to, 1. Last evaluated: 2024-03-06. Review status: criteria provided, single submitter. Criteria: ACMG Guidelines, 2015. Collection method: clinical testing. Allele origin: unknown.

Consortium of Investigators of Modifiers of BRCA1/2 (CIMBA), c/o University of Cambridge
Classification: Pathogenic for Breast-ovarian cancer, familial, susceptibility to, 1. Last evaluated: 2015-10-02. Review status: criteria provided, single submitter. Criteria: CIMBA Mutation Classification guidelines May 2016. Collection method: clinical testing. Allele origin: germline.

Breast Cancer Information Core (BIC) (BRCA1)
Classification: Uncertain significance for Breast-ovarian cancer, familial 1. Last evaluated: 2002-05-29. Review status: no assertion criteria provided. Collection method: clinical testing. Allele origin: germline. Affected: yes. Observed: 2 variant alleles. Not counted in ClinVar's aggregate classification.

Brotman Baty Institute, University of Washington
No classification provided (evidence only). Condition: Breast-ovarian cancer, familial 1. Review status: no classification provided. Collection method: in vitro. Allele origin: not applicable. Functional consequence: functionally_abnormal. Not counted in ClinVar's aggregate classification.
ClinVar note: "not provided" was previously submitted as the classification for the variant. However, the classification appeared to be based only on an observation of functional data so it was converted to no classification on 2025-07-30.

Literature cited by the submitters: PubMed 11157798 (cited by Labcorp Genetics (formerly Invitae), Labcorp and Ambry Genetics); PubMed 36367610 (cited by Labcorp Genetics (formerly Invitae), Labcorp and Mayo Clinic Laboratories, Mayo Clinic); PubMed 30209399 (cited by 3 submitters); PubMed 10508480 (cited by Labcorp Genetics (formerly Invitae), Labcorp); PubMed 22856468 (cited by Labcorp Genetics (formerly Invitae), Labcorp); PubMed 29446198 (cited by Mayo Clinic Laboratories, Mayo Clinic); PubMed 32546644 (cited by Mayo Clinic Laboratories, Mayo Clinic); PubMed 33087888 (cited by Mayo Clinic Laboratories, Mayo Clinic); PubMed 34597585 (cited by Mayo Clinic Laboratories, Mayo Clinic and Ambry Genetics); PubMed 20378548 (cited by Ambry Genetics); PubMed 20516115 (cited by Ambry Genetics); PubMed 27272900 (cited by Ambry Genetics); PubMed 28398198 (cited by Ambry Genetics); PubMed 28781887 (cited by Ambry Genetics).